The following is an entry in ClinVar:

NM_182914.3(SYNE2):c.4370A>G (p.Asp1457Gly)

Gene: SYNE2 (spectrin repeat containing nuclear envelope protein 2; plus strand). Cytogenetic location: 14q23.2.
Variant type: single nucleotide variant.
Coding change: c.4370A>G on transcript NM_182914.3 (MANE Select); coding-DNA position 4370, A replaced by G.
Protein change: p.Asp1457Gly; replaces aspartic acid 1457 with glycine.
Molecular consequence: missense variant.
Genome position (GRCh38, 1-based): chr14:64,003,303, A>G. VCF-style: chr14-64003303-A-G. GRCh37 (hg19) VCF-style: chr14-64470021-A-G.
Other names: c.4370A>G, p.Asp1457Gly (NM_015180.6); short protein forms D1457G.
Identifiers: ClinVar variation 2079275 (VCV002079275.4), dbSNP rs2551005797, ClinGen allele CA390000502.

ClinVar aggregate classification (germline): Uncertain significance (1 of 4 stars; one submission).

Conditions:
Emery-Dreifuss muscular dystrophy 5, autosomal dominant (EDMD5). Also called: EMERY-DREIFUSS MUSCULAR DYSTROPHY 5. Identifiers: Orphanet 261, MedGen C2751805, MONDO:0013072, OMIM 612999.

Allele frequency attached by ClinVar (database versions not stated): gnomAD exomes below 0.00001.
gnomAD v4.1: 1 of 1,614,126 alleles (0.000062%); highest among the groups gnomAD compares: Non-Finnish European, 0.000085%; no homozygotes.

Submission:

Labcorp Genetics (formerly Invitae), Labcorp
Classification: Uncertain significance for Emery-Dreifuss muscular dystrophy 5, autosomal dominant. Last evaluated: 2022-04-17. Review status: criteria provided, single submitter. Criteria: Invitae Variant Classification Sherloc (09022015). Collection method: clinical testing. Allele origin: germline.
Comment: This variant is not present in population databases (gnomAD no frequency). In summary, the available evidence is currently insufficient to determine the role of this variant in disease. Therefore, it has been classified as a Variant of Uncertain Significance. Algorithms developed to predict the effect of missense changes on protein structure and function are either unavailable or do not agree on the potential impact of this missense change (SIFT: "Tolerated"; PolyPhen-2: "Probably Damaging"; Align-GVGD: "Class C0"). This variant has not been reported in the literature in individuals affected with SYNE2-related conditions. This sequence change replaces aspartic acid, which is acidic and polar, with glycine, which is neutral and non-polar, at codon 1457 of the SYNE2 protein (p.Asp1457Gly).